The following is an entry in ClinVar:

NM_004715.5(CTDP1):c.*13G>A

Gene: CTDP1 (CTD phosphatase subunit 1; plus strand). Cytogenetic location: 18q23.
Variant type: single nucleotide variant.
Coding change: c.*13G>A on transcript NM_004715.5 (MANE Select); 13 bases downstream of the stop codon, G replaced by A.
Molecular consequence: 3 prime UTR variant.
Genome position (GRCh38, 1-based): chr18:79,753,803, G>A. VCF-style: chr18-79753803-G-A. GRCh37 (hg19) VCF-style: chr18-77513803-G-A.
Other names: c.*13G>A (NM_001202504.1); c.*128G>A (NM_001318511.2); c.*132G>A (NM_048368.4).
Identifiers: ClinVar variation 4688449 (VCV004688449.1).

ClinVar aggregate classification (germline): Uncertain significance (1 of 4 stars; one submission).

gnomAD v4.1: 37 of 1,611,720 alleles (0.0023%); highest among the groups gnomAD compares: Admixed American, 0.06%; no homozygotes.

Submission:

Women's Health and Genetics/Laboratory Corporation of America, LabCorp
Classification: Uncertain significance. Last evaluated: 2025-12-09. Review status: criteria provided, single submitter. Criteria: LabCorp Variant Classification Summary - May 2015. Collection method: clinical testing. Allele origin: germline.
Comment: Variant summary: CTDP1 c.*13G>A is located in the untranslated mRNA region downstream of the termination codon. The variant allele was found at a frequency of 7.7e-05 in 245380 control chromosomes. This frequency is not significantly higher than estimated for disease-causing variants in CTDP1, allowing no conclusion about variant significance. To our knowledge, no occurrence of c.*13G>A in individuals affected with CTDP1-related conditions and no experimental evidence demonstrating its impact on protein function have been reported. No submitters have cited clinical-significance assessments for this variant to ClinVar. Based on the evidence outlined above, the variant was classified as uncertain significance.